The following is an entry in ClinVar:

ClinVar aggregate classification (germline): Uncertain significance. Review status: criteria provided, multiple submitters, no conflicts (2 of 4 stars). 2 submissions from 2 submitters: Uncertain significance (2). Last evaluated 2024-09-22.

Conditions:
Hereditary cancer-predisposing syndrome. Also called: Tumor predisposition; Hereditary neoplastic syndrome; Hereditary Cancer Syndrome; Neoplastic Syndromes, Hereditary. Identifiers: Orphanet 140162, MedGen C0027672, MeSH D009386, MONDO:0015356.

Submissions (2):

Labcorp Genetics (formerly Invitae), Labcorp
Classification: Uncertain significance. Last evaluated: 2024-09-22. Review status: criteria provided, single submitter. Criteria: Invitae Variant Classification Sherloc (09022015). Collection method: clinical testing. Allele origin: germline.
Comment: This sequence change replaces threonine, which is neutral and polar, with arginine, which is basic and polar, at codon 1904 of the POLE protein (p.Thr1904Arg). This variant is not present in population databases (gnomAD no frequency). This variant has not been reported in the literature in individuals affected with POLE-related conditions. ClinVar contains an entry for this variant (Variation ID: 1464151). Invitae Evidence Modeling of protein sequence and biophysical properties (such as structural, functional, and spatial information, amino acid conservation, physicochemical variation, residue mobility, and thermodynamic stability) indicates that this missense variant is not expected to disrupt POLE protein function with a negative predictive value of 80%. In summary, the available evidence is currently insufficient to determine the role of this variant in disease. Therefore, it has been classified as a Variant of Uncertain Significance.

Ambry Genetics
Classification: Uncertain significance for Hereditary cancer-predisposing syndrome. Last evaluated: 2023-11-18. Review status: criteria provided, single submitter. Criteria: Ambry Variant Classification Scheme 2023. Collection method: clinical testing. Allele origin: germline.
Comment: The p.T1904R variant (also known as c.5711C>G), located in coding exon 42 of the POLE gene, results from a C to G substitution at nucleotide position 5711. The threonine at codon 1904 is replaced by arginine, an amino acid with similar properties. This amino acid position is conserved. In addition, the in silico prediction for this alteration is inconclusive. Since supporting evidence is limited at this time, the clinical significance of this alteration remains unclear.

NM_006231.4(POLE):c.5711C>G (p.Thr1904Arg)

Gene: POLE (DNA polymerase epsilon, catalytic subunit; minus strand). Cytogenetic location: 12q24.33.
Variant type: single nucleotide variant.
Coding change: c.5711C>G on transcript NM_006231.4 (MANE Select); coding-DNA position 5711, C replaced by G.
Protein change: p.Thr1904Arg; replaces threonine 1904 with arginine.
Molecular consequence: missense variant.
Genome position (GRCh38, 1-based): chr12:132,635,992, G>C on the plus strand (C>G on the coding strand, the complement: POLE is on the minus strand). VCF-style: chr12-132635992-G-C. GRCh37 (hg19) VCF-style: chr12-133212578-G-C.
Other names: c.5711C>G (NM_006231.2); short protein forms T1904R.
Identifiers: ClinVar variation 1464151 (VCV001464151.7), dbSNP rs2042024647, ClinGen allele CA387373193.